The following is an entry in ClinVar:

NM_006904.7(PRKDC):c.3463C>G (p.Arg1155Gly)

Gene: PRKDC (protein kinase, DNA-activated, catalytic subunit; minus strand). Cytogenetic location: 8q11.21.
Variant type: single nucleotide variant.
Coding change: c.3463C>G on transcript NM_006904.7 (MANE Select); coding-DNA position 3463, C replaced by G.
Protein change: p.Arg1155Gly; replaces arginine 1155 with glycine.
Molecular consequence: missense variant.
Genome position (GRCh38, 1-based): chr8:47,898,471, G>C on the plus strand (C>G on the coding strand, the complement: PRKDC is on the minus strand). VCF-style: chr8-47898471-G-C. GRCh37 (hg19) VCF-style: chr8-48811031-G-C.
Other names: c.3463C>G, p.Arg1155Gly (NM_001081640.2); short protein forms R1155G.
Identifiers: ClinVar variation 2449883 (VCV002449883.2), dbSNP rs867149509, ClinGen allele CA371154291.

ClinVar aggregate classification (germline): Uncertain significance (1 of 4 stars; one submission).

gnomAD v4.1: 1 of 1,550,926 alleles (0.000064%); highest among the groups gnomAD compares: Admixed American, 0.0019%; no homozygotes.

Submission:

Ambry Genetics
Classification: Uncertain significance. Last evaluated: 2023-02-12. Review status: criteria provided, single submitter. Criteria: Ambry Variant Classification Scheme 2023. Collection method: clinical testing. Allele origin: germline.
Comment: The p.R1155G variant (also known as c.3463C>G), located in coding exon 29 of the PRKDC gene, results from a C to G substitution at nucleotide position 3463. The arginine at codon 1155 is replaced by glycine, an amino acid with dissimilar properties. This amino acid position is conserved. In addition, this alteration is predicted to be tolerated by in silico analysis. Since supporting evidence is limited at this time, the clinical significance of this alteration remains unclear.